The following is an entry in ClinVar:

NM_000484.4(APP):c.1189A>G (p.Arg397Gly)

Gene: APP (amyloid beta precursor protein; minus strand). Cytogenetic location: 21q21.3.
Variant type: single nucleotide variant.
Coding change: c.1189A>G on transcript NM_000484.4 (MANE Select); coding-DNA position 1189, A replaced by G.
Protein change: p.Arg397Gly; replaces arginine 397 with glycine.
Molecular consequence: missense variant.
Genome position (GRCh38, 1-based): chr21:25,982,379, T>C on the plus strand (A>G on the coding strand, the complement: APP is on the minus strand). VCF-style: chr21-25982379-T-C. GRCh37 (hg19) VCF-style: chr21-27354692-T-C.
Other names: c.1117A>G, p.Arg373Gly (NM_001136016.3); c.796A>G, p.Arg266Gly (NM_001136129.3); c.1021A>G, p.Arg341Gly (NM_001136130.3, NM_001385253.1); c.859A>G, p.Arg287Gly (NM_001136131.3); c.1189A>G, p.Arg397Gly (NM_001204301.2); c.1132A>G, p.Arg378Gly (NM_001204302.2, NM_201413.3); c.964A>G, p.Arg322Gly (NM_001204303.2, NM_201414.3); short protein forms R266G, R287G, R322G, R341G, R373G, R378G, R397G.
Identifiers: ClinVar variation 1690879 (VCV001690879.2), dbSNP rs2146601120, ClinGen allele CA409810551.

ClinVar aggregate classification (germline): Uncertain significance (1 of 4 stars; one submission).

Submission:

Laboratorio de Genetica e Diagnostico Molecular, Hospital Israelita Albert Einstein
Classification: Uncertain significance. Last evaluated: 2020-05-04. Review status: criteria provided, single submitter. Criteria: ACMG Guidelines, 2015. Collection method: clinical testing. Allele origin: germline. Affected: yes.
Comment: ACMG classification criteria: PM2, BP4